The following is an entry in ClinVar:

NC_000015.9:g.(?_44877834)_(44881612_?)dup

Gene: SPG11 (SPG11 vesicle trafficking associated, spatacsin; minus strand). Cytogenetic location: 15q21.1.
Variant type: Duplication.
Identifiers: ClinVar variation 417383 (VCV000417383.1).

ClinVar aggregate classification (germline): Uncertain significance (1 of 4 stars; one submission).

Conditions:
Hereditary spastic paraplegia 11. Also called: Spastic paraplegia, mental retardation and thin corpus callosum; Spastic Paraplegia 11; Nakamura Osame syndrome; Autosomal recessive hereditary spastic paraplegia, mental impairment, and thin corpus callosum; SPASTIC PARAPLEGIA, AUTOSOMAL RECESSIVE, COMPLICATED, WITH THIN CORPUS CALLOSUM; SPASTIC PARAPLEGIA, AUTOSOMAL RECESSIVE, WITH MENTAL IMPAIRMENT AND THIN CORPUS CALLOSUM. Identifiers: Orphanet 2822, MedGen C1858479, MONDO:0011445, OMIM 604360.

Submission:

Labcorp Genetics (formerly Invitae), Labcorp
Classification: Uncertain significance for Hereditary spastic paraplegia 11. Last evaluated: 2016-10-26. Review status: criteria provided, single submitter. Criteria: Invitae Variant Classification Sherloc (09022015). Collection method: clinical testing. Allele origin: germline.
Comment: This variant is a gross duplication of the genomic region encompassing exons 28-29 of the SPG11 gene. While the exact position of the duplicated exons cannot be determined from this data, the duplicated copy of this region is likely in tandem and in-frame, therefore preserving the integrity of the reading frame. This variant has been reported in three individuals affected with hereditary spastic paraplegia (HSP). In one patient no further analysis was conducted to identify additional sequence variants. In the other two patients affected with HSP, this variant was found in combination with a second SPG11 variant: a small in-frame deletion in one patient (c.2987_2989delGTT (p.C996del)), and a truncating variant (c.1951C>T (p.R651*)) in the second patient (PMID: 27071356). In summary, sub-genic duplications are generally in tandem (PMID: 25640679), and result in an absent or disrupted protein. However, the exact location of this duplication has not been confirmed. While it has been observed in affected individuals, the evidence is not sufficient at this time to determine its role in SPG11-related disease. Therefore, it has been classified as a Variant of Uncertain Significance.